The following is an entry in ClinVar:

NM_006648.4(WNK2):c.2152C>T (p.Pro718Ser)

Gene: WNK2 (WNK lysine deficient protein kinase 2; plus strand). Cytogenetic location: 9q22.31.
Variant type: single nucleotide variant.
Coding change: c.2152C>T on transcript NM_006648.4 (MANE Select); coding-DNA position 2152, C replaced by T.
Protein change: p.Pro718Ser; replaces proline 718 with serine.
Molecular consequence: missense variant.
Genome position (GRCh38, 1-based): chr9:93,256,416, C>T. VCF-style: chr9-93256416-C-T. GRCh37 (hg19) VCF-style: chr9-96018698-C-T.
Other names: c.2152C>T, p.Pro718Ser (NM_001282394.3); short protein forms P718S.
Identifiers: ClinVar variation 3982088 (VCV003982088.1).

ClinVar aggregate classification (germline): Uncertain significance (1 of 4 stars; one submission).

gnomAD v4.1: 3 of 1,539,950 alleles (0.00019%); highest among the groups gnomAD compares: African/African-American, 0.0014%; no homozygotes.

Submission:

Ambry Genetics
Classification: Uncertain significance. Last evaluated: 2025-05-21. Review status: criteria provided, single submitter. Criteria: Ambry Variant Classification Scheme 2023. Collection method: clinical testing. Allele origin: germline.
Comment: The p.P718S variant (also known as c.2152C>T), located in coding exon 9 of the WNK2 gene, results from a C to T substitution at nucleotide position 2152. The proline at codon 718 is replaced by serine, an amino acid with similar properties. This amino acid position is conserved. In addition, this alteration is predicted to be tolerated by in silico analysis. Based on the available evidence, the clinical significance of this variant remains unclear.